The following is an entry in ClinVar:

ClinVar aggregate classification (germline): Pathogenic (1 of 4 stars; one submission).

Submission:

GeneDx
Classification: Pathogenic. Last evaluated: 2022-03-09. Review status: criteria provided, single submitter. Criteria: GeneDx Variant Classification Process June 2021. Collection method: clinical testing. Allele origin: germline. Affected: yes.
Comment: Frameshift variant predicted to result in protein truncation or nonsense mediated decay in a gene for which loss-of-function is a known mechanism of disease; Not observed at significant frequency in large population cohorts (gnomAD); Has not been previously published as pathogenic or benign to our knowledge

NM_031263.4(HNRNPK):c.431_434del (p.Asp144fs)

Genes: HNRNPK (heterogeneous nuclear ribonucleoprotein K; minus strand), HNRNPK-AS1 (HNRNPK antisense RNA 1; plus strand). Cytogenetic location: 9q21.32.
Variant type: Deletion.
Coding change: c.431_434del on transcript NM_031263.4 (MANE Select); coding-DNA positions 431 to 434, 4 bases deleted (ACTG; older notation c.431_434delACTG).
Protein change: p.Asp144fs; shifts the reading frame from aspartic acid 144.
Molecular consequence: frameshift variant.
Genome position (GRCh38, 1-based): chr9:83,973,368-83,973,371, CAGT deleted on the plus strand (ACTG on the coding strand, the reverse complement: HNRNPK is on the minus strand); deleting any 4 consecutive bases within chr9:83,973,368-83,973,373 gives the same sequence; the c. name uses the placement nearest the transcript's 3' end. VCF-style (leftmost placement, unchanged base first): chr9-83973367-GCAGT-G. GRCh37 (hg19) VCF-style: chr9-86588282-GCAGT-G.
Other names: c.359_362del, p.Asp120fs (NM_001318186.2, NM_001318187.2); c.431_434del, p.Asp144fs (NM_001318188.2, NM_002140.5, NM_031262.4); c.431_434delACTG (NM_002140.3); short protein forms D120fs, D144fs.
Identifiers: ClinVar variation 1204941 (VCV001204941.5), dbSNP rs2133039737, ClinGen allele CA2499219992.